The following is an entry in ClinVar:

NM_001134363.3(RBM20):c.1072G>A (p.Asp358Asn)

Gene: RBM20 (RNA binding motif protein 20; plus strand). Cytogenetic location: 10q25.2.
Variant type: single nucleotide variant.
Coding change: c.1072G>A on transcript NM_001134363.3 (MANE Select); coding-DNA position 1072, G replaced by A.
Protein change: p.Asp358Asn; replaces aspartic acid 358 with asparagine.
Molecular consequence: missense variant.
Genome position (GRCh38, 1-based): chr10:110,781,681, G>A. VCF-style: chr10-110781681-G-A. GRCh37 (hg19) VCF-style: chr10-112541439-G-A.
Other names: short protein forms D358N.
Identifiers: ClinVar variation 2564178 (VCV002564178.5), dbSNP rs2493413215, ClinGen allele CA378385519.
Genomic context (GRCh38, chr10:110,781,681, plus strand): 5'-ATGTGGCCTCCACCCCACAACCAGCCCTATGAGCTGTACGACCCCGAGGAACCAACCTCA[G>A]ACAGGACACCTCCTTCCTTCGGGGGTCGGCTTAACAACAGCAAACAGGGTTTTATCGGTG-3'
Protein context (NP_001127835.2, residues 348-368): ELYDPEEPTS[Asp358Asn]RTPPSFGGRL

ClinVar aggregate classification (germline): Uncertain significance. Review status: criteria provided, multiple submitters, no conflicts (2 of 4 stars). 2 submissions from 2 submitters: Uncertain significance (2). Last evaluated 2024-01-16.

Conditions:
Dilated cardiomyopathy 1DD (CMD1DD). Identifiers: Orphanet 154, MedGen C2750995, MONDO:0013168, OMIM 613172.
Cardiovascular phenotype. Identifiers: MedGen CN230736.

Allele frequency attached by ClinVar (database versions not stated): gnomAD exomes below 0.00001.
gnomAD v4.1: 1 of 1,549,454 alleles (0.000065%); highest among the groups gnomAD compares: Middle Eastern, 0.017%; no homozygotes.

Submissions (2):

Labcorp Genetics (formerly Invitae), Labcorp
Classification: Uncertain significance for Dilated cardiomyopathy 1DD. Last evaluated: 2024-01-16. Review status: criteria provided, single submitter. Criteria: Invitae Variant Classification Sherloc (09022015). Collection method: clinical testing. Allele origin: germline.
Comment: This sequence change replaces aspartic acid, which is acidic and polar, with asparagine, which is neutral and polar, at codon 358 of the RBM20 protein (p.Asp358Asn). This variant is not present in population databases (gnomAD no frequency). This variant has not been reported in the literature in individuals affected with RBM20-related conditions. ClinVar contains an entry for this variant (Variation ID: 2564178). Advanced modeling of protein sequence and biophysical properties (such as structural, functional, and spatial information, amino acid conservation, physicochemical variation, residue mobility, and thermodynamic stability) has been performed at Invitae for this missense variant, however the output from this modeling did not meet the statistical confidence thresholds required to predict the impact of this variant on RBM20 protein function. In summary, the available evidence is currently insufficient to determine the role of this variant in disease. Therefore, it has been classified as a Variant of Uncertain Significance.

Ambry Genetics
Classification: Uncertain significance for Cardiovascular phenotype. Last evaluated: 2023-05-11. Review status: criteria provided, single submitter. Criteria: Ambry Variant Classification Scheme 2023. Collection method: clinical testing. Allele origin: germline.
Comment: The p.D358N variant (also known as c.1072G>A), located in coding exon 2 of the RBM20 gene, results from a G to A substitution at nucleotide position 1072. The aspartic acid at codon 358 is replaced by asparagine, an amino acid with highly similar properties. This amino acid position is conserved. In addition, the in silico prediction for this alteration is inconclusive. Since supporting evidence is limited at this time, the clinical significance of this alteration remains unclear.